The following is an entry in ClinVar:

ClinVar aggregate classification (germline): Uncertain significance. Review status: criteria provided, multiple submitters, no conflicts (2 of 4 stars). 2 submissions from 2 submitters: Uncertain significance (2). Last evaluated 2025-07-28.

Conditions:
Inborn genetic diseases. Identifiers: MedGen C0950123, MeSH D030342.

Submissions (2):

Ambry Genetics
Classification: Uncertain significance for Inborn genetic diseases. Last evaluated: 2025-07-28. Review status: criteria provided, single submitter. Criteria: Ambry Variant Classification Scheme 2023. Collection method: clinical testing. Allele origin: germline.
Comment: The p.T329S variant (also known as c.985A>T), located in coding exon 3 of the MBD4 gene, results from an A to T substitution at nucleotide position 985. The threonine at codon 329 is replaced by serine, an amino acid with similar properties. This amino acid position is conserved. In addition, the in silico prediction for this alteration is inconclusive. Based on the available evidence, the clinical significance of this variant remains unclear.

Labcorp Genetics (formerly Invitae), Labcorp
Classification: Uncertain significance. Last evaluated: 2025-07-18. Review status: criteria provided, single submitter. Criteria: Invitae Variant Classification Sherloc (09022015). Collection method: clinical testing. Allele origin: germline.
Comment: This sequence change replaces threonine, which is neutral and polar, with serine, which is neutral and polar, at codon 329 of the MBD4 protein (p.Thr329Ser). This variant is not present in population databases (gnomAD no frequency). This variant has not been reported in the literature in individuals affected with MBD4-related conditions. ClinVar contains an entry for this variant (Variation ID: 2018083). An algorithm developed to predict the effect of missense changes on protein structure and function (PolyPhen-2) suggests that this variant is likely to be tolerated. In summary, the available evidence is currently insufficient to determine the role of this variant in disease. Therefore, it has been classified as a Variant of Uncertain Significance.

NM_001276270.2(MBD4):c.985A>T (p.Thr329Ser)

Gene: MBD4 (methyl-CpG binding domain 4, DNA glycosylase; minus strand). Cytogenetic location: 3q21.3.
Variant type: single nucleotide variant.
Coding change: c.985A>T on transcript NM_001276270.2 (MANE Select); coding-DNA position 985, A replaced by T.
Protein change: p.Thr329Ser; replaces threonine 329 with serine.
Molecular consequence: missense variant. On other transcripts: intron variant (1).
Genome position (GRCh38, 1-based): chr3:129,436,659, T>A on the plus strand (A>T on the coding strand, the complement: MBD4 is on the minus strand). VCF-style: chr3-129436659-T-A. GRCh37 (hg19) VCF-style: chr3-129155502-T-A.
Other names: c.985A>T, p.Thr329Ser (NM_001276271.2, NM_001276272.2, NM_003925.3); c.247+1149A>T (NM_001276273.2); short protein forms T329S.
Identifiers: ClinVar variation 2018083 (VCV002018083.5), dbSNP rs2530718951, ClinGen allele CA354466811.